The following is an entry in ClinVar:

NM_005327.7(HADH):c.479C>T (p.Thr160Ile)

Gene: HADH (hydroxyacyl-CoA dehydrogenase; plus strand). Cytogenetic location: 4q25.
Variant type: single nucleotide variant.
Coding change: c.479C>T on transcript NM_005327.7 (MANE Select); coding-DNA position 479, C replaced by T.
Protein change: p.Thr160Ile; replaces threonine 160 with isoleucine.
Molecular consequence: missense variant.
Genome position (GRCh38, 1-based): chr4:108,019,599, C>T. VCF-style: chr4-108019599-C-T. GRCh37 (hg19) VCF-style: chr4-108940755-C-T.
Other names: c.479C>T, p.Thr160Ile (NM_001184705.4); c.491C>T, p.Thr164Ile (NM_001331027.2); short protein forms T160I, T164I.
Identifiers: ClinVar variation 864194 (VCV000864194.7), dbSNP rs780252799, ClinGen allele CA3037482.

ClinVar aggregate classification (germline): Uncertain significance/Uncertain risk allele. Review status: criteria provided, multiple submitters, no conflicts (2 of 4 stars). 2 submissions from 2 submitters: Uncertain significance (1); Uncertain risk allele (1). Last evaluated 2019-11-18.

Conditions:
Deficiency of 3-hydroxyacyl-CoA dehydrogenase. Also called: HADH DEFICIENCY; 3-hydroxyacyl-CoA dehydrogenase deficiency. Identifiers: Orphanet 309127, Orphanet 71212, MedGen C1291230, MONDO:0017715, OMIM 231530.
Hyperinsulinemic hypoglycemia. Also called: Hyperinsulinemic hypoglycemia (disease); Hyperinsulinemia hypoglycemia. Identifiers: Orphanet 443095, MedGen C1864903, MONDO:0005803, HP:0000825.

Allele frequency attached by ClinVar (database versions not stated): gnomAD exomes 0.00001 and 0.00002; ExAC 0.00002.

Submissions (2):

Labcorp Genetics (formerly Invitae), Labcorp
Classification: Uncertain significance for Deficiency of 3-hydroxyacyl-CoA dehydrogenase. Last evaluated: 2019-11-18. Review status: criteria provided, single submitter. Criteria: Invitae Variant Classification Sherloc (09022015). Collection method: clinical testing. Allele origin: germline.
Comment: In summary, the available evidence is currently insufficient to determine the role of this variant in disease. Therefore, it has been classified as a Variant of Uncertain Significance. Algorithms developed to predict the effect of missense changes on protein structure and function are either unavailable or do not agree on the potential impact of this missense change (SIFT: "Tolerated"; PolyPhen-2: "Possibly Damaging"; Align-GVGD: "Class C0"). This variant has not been reported in the literature in individuals with HADH-related conditions. This variant is present in population databases (rs780252799, ExAC 0.004%). This sequence change replaces threonine with isoleucine at codon 160 of the HADH protein (p.Thr160Ile). The threonine residue is highly conserved and there is a moderate physicochemical difference between threonine and isoleucine.

Clinical Genomics, Uppaluri K&H Personalized Medicine Clinic
Classification: Uncertain risk allele for Hyperinsulinemic hypoglycemia. Review status: criteria provided, single submitter. Criteria: K & H Uppaluri Personalized Medicine Clinic Variant Classification & Assertion Criteria_Updated V.1. Collection method: research. Allele origin: unknown. Inheritance: Autosomal recessive inheritance.
Comment: Potent mutations in HADH gene are associated with congenital hyperinsulinism, which leads to recurrent hypoglycemia. The condition is exacerbated by stress, fasting or excessive dietary protein. May respond well to diazoxide. However, the role of this particular variant rs780252799 in congenital hyperinsulinism is yet to be ascertained.

Literature cited by the submitters: PubMed 34547194 (cited by Clinical Genomics, Uppaluri K&H Personalized Medicine Clinic); PubMed 34055426 (cited by Clinical Genomics, Uppaluri K&H Personalized Medicine Clinic); PubMed 29280746 (cited by Clinical Genomics, Uppaluri K&H Personalized Medicine Clinic).